The following is an entry in ClinVar:

ClinVar aggregate classification (germline): Uncertain significance. Review status: criteria provided, multiple submitters, no conflicts (2 of 4 stars). 3 submissions from 3 submitters: Uncertain significance (3). Last evaluated 2023-12-30.

Conditions:
Inborn genetic diseases. Identifiers: MedGen C0950123, MeSH D030342.

Allele frequency attached by ClinVar (database versions not stated): TOPMed 0.00002; gnomAD 0.00003; ExAC 0.00004; ESP Exome Variant Server 0.00008.
gnomAD v4.1: 28 of 1,613,996 alleles (0.0017%); highest among the groups gnomAD compares: Middle Eastern, 0.066%; no homozygotes.

Submissions (3):

Ambry Genetics
Classification: Uncertain significance for Inborn genetic diseases. Last evaluated: 2023-12-30. Review status: criteria provided, single submitter. Criteria: Ambry Variant Classification Scheme 2023. Collection method: clinical testing. Allele origin: germline.

Labcorp Genetics (formerly Invitae), Labcorp
Classification: Uncertain significance. Last evaluated: 2022-08-28. Review status: criteria provided, single submitter. Criteria: Invitae Variant Classification Sherloc (09022015). Collection method: clinical testing. Allele origin: germline.
Comment: This sequence change replaces threonine, which is neutral and polar, with isoleucine, which is neutral and non-polar, at codon 623 of the CNGB3 protein (p.Thr623Ile). This variant is present in population databases (rs150021032, gnomAD 0.005%). This variant has not been reported in the literature in individuals affected with CNGB3-related conditions. Algorithms developed to predict the effect of missense changes on protein structure and function are either unavailable or do not agree on the potential impact of this missense change (SIFT: "Deleterious"; PolyPhen-2: "Probably Damaging"; Align-GVGD: "Class C15"). In summary, the available evidence is currently insufficient to determine the role of this variant in disease. Therefore, it has been classified as a Variant of Uncertain Significance.

Blueprint Genetics
Classification: Uncertain significance. Last evaluated: 2021-06-10. Review status: criteria provided, single submitter. Criteria: ACMG Guidelines, 2015. Collection method: clinical testing. Allele origin: germline.

NM_019098.5(CNGB3):c.1868C>T (p.Thr623Ile)

Gene: CNGB3 (cyclic nucleotide gated channel subunit beta 3; minus strand). Cytogenetic location: 8q21.3.
Variant type: single nucleotide variant.
Coding change: c.1868C>T on transcript NM_019098.5 (MANE Select); coding-DNA position 1868, C replaced by T.
Protein change: p.Thr623Ile; replaces threonine 623 with isoleucine.
Molecular consequence: missense variant.
Genome position (GRCh38, 1-based): chr8:86,579,166, G>A on the plus strand (C>T on the coding strand, the complement: CNGB3 is on the minus strand). VCF-style: chr8-86579166-G-A. GRCh37 (hg19) VCF-style: chr8-87591394-G-A.
Other names: c.1868C>T (NM_019098.4); short protein forms T623I.
Identifiers: ClinVar variation 2161257 (VCV002161257.3), dbSNP rs150021032, ClinGen allele CA4799875.